The following is an entry in ClinVar:

ClinVar aggregate classification (germline): Conflicting classifications of pathogenicity. Review status: criteria provided, conflicting classifications (1 of 4 stars). 2 submissions from 2 submitters: Likely pathogenic (1); Uncertain significance (1). Last evaluated 2021-04-21.

Submissions (2):

GeneDx
Classification: Likely pathogenic. Last evaluated: 2021-04-21. Review status: criteria provided, single submitter. Criteria: GeneDx Variant Classification Process June 2021. Collection method: clinical testing. Allele origin: germline. Affected: yes.
Comment: Not observed in large population cohorts (Lek et al., 2016); Intronic +5 splice site variant in a gene for which loss-of-function is a known mechanism of disease, and both splice predictors and evolutionary conservation support a deleterious effect, although in the absence of functional evidence the actual effect of this sequence change is unknown.; Has not been previously published as pathogenic or benign to our knowledge

Blueprint Genetics
Classification: Uncertain significance. Last evaluated: 2020-04-21. Review status: criteria provided, single submitter. Criteria: ACMG Guidelines, 2015. Collection method: clinical testing. Allele origin: germline.

NM_130837.3(OPA1):c.1377+5del

Gene: OPA1 (OPA1 mitochondrial dynamin like GTPase; plus strand). Cytogenetic location: 3q29.
Variant type: Deletion.
Coding change: c.1377+5del on transcript NM_130837.3 (MANE Select); 5 bases into the intron after coding-DNA position 1377, one base deleted (G; older notation c.1377+5delG).
Molecular consequence: intron variant.
Genome position (GRCh38, 1-based): chr3:193,643,449, G deleted. VCF-style (leftmost placement, unchanged base first): chr3-193643448-AG-A. GRCh37 (hg19) VCF-style: chr3-193361237-AG-A.
Other names: c.840+5del (NM_001354664.2); c.843+5del (NM_001354663.2); c.1266+5del (NM_130834.3); c.1323+5del (NM_130836.3); c.1212+5del (NM_015560.3); c.1269+5del (NM_130835.3); c.1158+5del (NM_130832.3); c.1215+5del (NM_130833.3); and 1 more.
Identifiers: ClinVar variation 1320654 (VCV001320654.3), dbSNP rs2109043788, ClinGen allele CA2573052132.